The following is an entry in ClinVar:

NM_002471.4(MYH6):c.3638A>G (p.Gln1213Arg)

Gene: MYH6 (myosin heavy chain 6; minus strand). Cytogenetic location: 14q11.2.
Variant type: single nucleotide variant.
Coding change: c.3638A>G on transcript NM_002471.4 (MANE Select); coding-DNA position 3638, A replaced by G.
Protein change: p.Gln1213Arg; replaces glutamine 1213 with arginine.
Molecular consequence: missense variant.
Genome position (GRCh38, 1-based): chr14:23,390,151, T>C on the plus strand (A>G on the coding strand, the complement: MYH6 is on the minus strand). VCF-style: chr14-23390151-T-C. GRCh37 (hg19) VCF-style: chr14-23859360-T-C.
Other names: short protein forms Q1213R.
Identifiers: ClinVar variation 3400833 (VCV003400833.1).
Genomic context (GRCh38, chr14:23,390,151, plus strand): 5'-ACGTCATCCAGCTCCAGCTTGAACTCGCTCTTCTCCTTCTCCAGCTTCTGCTTCACCCGC[T>C]GCAGGTTGTCGATCTGCTCGCCCAGCTCGGCCACGCTGTCGGCGTGCTTCTTGCGCAGGG-3'
Protein context (NP_002462.2, residues 1203-1223): AELGEQIDNL[Gln1213Arg]RVKQKLEKEK

ClinVar aggregate classification (germline): Uncertain significance (1 of 4 stars; one submission).

Conditions:
Cardiovascular phenotype. Identifiers: MedGen CN230736.

Submission:

Ambry Genetics
Classification: Uncertain significance for Cardiovascular phenotype. Last evaluated: 2024-07-06. Review status: criteria provided, single submitter. Criteria: Ambry Variant Classification Scheme 2023. Collection method: clinical testing. Allele origin: germline.
Comment: The p.Q1213R variant (also known as c.3638A>G), located in coding exon 24 of the MYH6 gene, results from an A to G substitution at nucleotide position 3638. The glutamine at codon 1213 is replaced by arginine, an amino acid with highly similar properties. This amino acid position is conserved. In addition, the in silico prediction for this alteration is inconclusive. Based on the available evidence, the clinical significance of this variant remains unclear.